The following is an entry in ClinVar:

ClinVar aggregate classification (germline): Likely benign (1 of 4 stars; one submission).

Submission:

GeneDx
Classification: Likely benign. Last evaluated: 2016-12-21. Review status: criteria provided, single submitter. Criteria: GeneDx Variant Classification (06012015). Collection method: clinical testing. Allele origin: germline. Affected: yes.
Comment: This variant is considered likely benign or benign based on one or more of the following criteria: it is a conservative change, it occurs at a poorly conserved position in the protein, it is predicted to be benign by multiple in silico algorithms, and/or has population frequency not consistent with disease.

NM_020751.3(COG6):c.*3A>T

Gene: COG6 (component of oligomeric golgi complex 6; plus strand). Cytogenetic location: 13q14.11.
Variant type: single nucleotide variant.
Coding change: c.*3A>T on transcript NM_020751.3 (MANE Select); 3 bases downstream of the stop codon, A replaced by T.
Molecular consequence: 3 prime UTR variant. On other transcripts: non-coding transcript variant (1), intron variant (1).
Genome position (GRCh38, 1-based): chr13:39,751,096, A>T. VCF-style: chr13-39751096-A-T. GRCh37 (hg19) VCF-style: chr13-40325233-A-T.
Other names: c.1826+23548A>T (NM_001145079.2).
Identifiers: ClinVar variation 391790 (VCV000391790.1), dbSNP rs371476957, ClinGen allele CA16607508.